The following is an entry in ClinVar:

ClinVar aggregate classification (germline): Uncertain significance (1 of 4 stars; one submission).

Conditions:
Fanconi anemia complementation group J. Also called: BRIP1-Related Fanconi Anemia. Identifiers: Orphanet 84, MedGen C1836860, MONDO:0012187, OMIM 609054.
Familial cancer of breast. Also called: Hereditary breast cancer; hereditary breast carcinoma; BREAST CANCER, FAMILIAL. Identifiers: Orphanet 227535, MedGen C0346153, MONDO:0016419, OMIM 114480. Disease mechanism: loss of function.

Submission:

Labcorp Genetics (formerly Invitae), Labcorp
Classification: Uncertain significance for Familial cancer of breast; Fanconi anemia complementation group J. Last evaluated: 2022-12-07. Review status: criteria provided, single submitter. Criteria: Invitae Variant Classification Sherloc (09022015). Collection method: clinical testing. Allele origin: germline.
Comment: This sequence change replaces isoleucine, which is neutral and non-polar, with valine, which is neutral and non-polar, at codon 1206 of the BRIP1 protein (p.Ile1206Val). This variant is not present in population databases (gnomAD no frequency). This variant has not been reported in the literature in individuals affected with BRIP1-related conditions. Algorithms developed to predict the effect of missense changes on protein structure and function output the following: SIFT: "Tolerated"; PolyPhen-2: "Benign"; Align-GVGD: "Class C0". The valine amino acid residue is found in multiple mammalian species, which suggests that this missense change does not adversely affect protein function. In summary, the available evidence is currently insufficient to determine the role of this variant in disease. Therefore, it has been classified as a Variant of Uncertain Significance.

NM_032043.3(BRIP1):c.3616A>G (p.Ile1206Val)

Gene: BRIP1 (BRCA1 interacting DNA helicase 1; minus strand). Cytogenetic location: 17q23.2.
Variant type: single nucleotide variant.
Coding change: c.3616A>G on transcript NM_032043.3 (MANE Select); coding-DNA position 3616, A replaced by G.
Protein change: p.Ile1206Val; replaces isoleucine 1206 with valine.
Molecular consequence: missense variant.
Genome position (GRCh38, 1-based): chr17:61,683,430, T>C on the plus strand (A>G on the coding strand, the complement: BRIP1 is on the minus strand). VCF-style: chr17-61683430-T-C. GRCh37 (hg19) VCF-style: chr17-59760791-T-C.
Other names: short protein forms I1206V.
Identifiers: ClinVar variation 2930474 (VCV002930474.3), dbSNP rs2144069804, ClinGen allele CA400478018.